The following is an entry in ClinVar:

NM_003356.4(UCP3):c.338-10C>T

Gene: UCP3 (uncoupling protein 3; minus strand). Cytogenetic location: 11q13.4.
Variant type: single nucleotide variant.
Coding change: c.338-10C>T on transcript NM_003356.4 (MANE Select); 10 bases into the intron before coding-DNA position 338, C replaced by T.
Molecular consequence: intron variant.
Genome position (GRCh38, 1-based): chr11:74,005,943, G>A on the plus strand (C>T on the coding strand, the complement: UCP3 is on the minus strand). VCF-style: chr11-74005943-G-A. GRCh37 (hg19) VCF-style: chr11-73716988-G-A.
Other names: c.338-10C>T (NM_022803.3).
Identifiers: ClinVar variation 4986978 (VCV004986978.1).

ClinVar aggregate classification (germline): Likely benign (1 of 4 stars; one submission).

Conditions:
UCP3-related disorder. Also called: UCP3-related condition.

gnomAD v4.1: 9 of 1,613,736 alleles (0.00056%); highest among the groups gnomAD compares: Admixed American, 0.0067%; no homozygotes.

Submission:

PreventionGenetics, part of Exact Sciences
Classification: Likely benign for UCP3-related condition. Last evaluated: 2025-11-06. Review status: criteria provided, single submitter. Criteria: ACMG Guidelines, 2015. Collection method: clinical testing. Allele origin: germline.
Comment: This variant is classified as likely benign based on ACMG/AMP sequence variant interpretation guidelines (Richards et al. 2015 PMID: 25741868, with internal and published modifications).